The following is an entry in ClinVar:

ClinVar aggregate classification (germline): Likely pathogenic (1 of 4 stars; one submission).

Conditions:
Branchiooculofacial syndrome (BOFS). Also called: BOF SYNDROME; HEMANGIOMATOUS BRANCHIAL CLEFTS-LIP PSEUDOCLEFT SYNDROME; LIP PSEUDOCLEFT-HEMANGIOMATOUS BRANCHIAL CYST SYNDROME; Branchio-Oculo-Facial Syndrome. Identifiers: Orphanet 1297, MedGen C0376524, MeSH D019280, MONDO:0007235, OMIM 113620.

Submission:

3billion
Classification: Likely pathogenic for Branchiooculofacial syndrome. Review status: criteria provided, single submitter. Criteria: ACMG Guidelines, 2015. Collection method: clinical testing. Allele origin: unknown. Affected: yes. Observed: 1 heterozygote.
Comment: The variant is not observed in the gnomAD v2.1.1 dataset. The variant is predicted to alter splicing and result in a loss or disruption of normal protein function. Multiple pathogenic loss-of-function variants are reported downstream of the variant. Therefore, this variant is classified as Likely pathogenic according to the recommendation of ACMG/AMP guideline.

NM_001372066.1(TFAP2A):c.486+1G>T

Gene: TFAP2A (transcription factor AP-2 alpha; minus strand). Cytogenetic location: 6p24.3.
Variant type: single nucleotide variant.
Coding change: c.486+1G>T on transcript NM_001372066.1 (MANE Select); the canonical splice donor site of the intron after coding-DNA position 486, G replaced by T.
Molecular consequence: splice donor variant.
Genome position (GRCh38, 1-based): chr6:10,409,900, C>A on the plus strand (G>T on the coding strand, the complement: TFAP2A is on the minus strand). VCF-style: chr6-10409900-C-A. GRCh37 (hg19) VCF-style: chr6-10410133-C-A.
Other names: c.468+1G>T (NM_001042425.3); c.462+1G>T (NM_001032280.3).
Identifiers: ClinVar variation 2572430 (VCV002572430.1), dbSNP rs111460784, ClinGen allele CA362703641.